The following is an entry in ClinVar:

NM_000514.4(GDNF):c.292G>T (p.Ala98Ser)

Gene: GDNF (glial cell derived neurotrophic factor; minus strand). Cytogenetic location: 5p13.2.
Variant type: single nucleotide variant.
Coding change: c.292G>T on transcript NM_000514.4 (MANE Select); coding-DNA position 292, G replaced by T.
Protein change: p.Ala98Ser; replaces alanine 98 with serine.
Molecular consequence: missense variant.
Genome position (GRCh38, 1-based): chr5:37,815,995, C>A on the plus strand (G>T on the coding strand, the complement: GDNF is on the minus strand). VCF-style: chr5-37815995-C-A. GRCh37 (hg19) VCF-style: chr5-37816097-C-A.
Other names: c.343G>T, p.Ala115Ser (NM_001190468.1); c.265G>T, p.Ala89Ser (NM_001190469.1); c.136G>T, p.Ala46Ser (NM_001278098.1); c.214G>T, p.Ala72Ser (NM_199231.2); short protein forms A72S, A115S, A98S, A46S, A89S.
Identifiers: ClinVar variation 906138 (VCV000906138.6), dbSNP rs141837966, ClinGen allele CA3241206.

ClinVar aggregate classification (germline): Conflicting classifications of pathogenicity. Review status: criteria provided, conflicting classifications (1 of 4 stars). 2 submissions from 2 submitters: Uncertain significance (1); Likely benign (1). Last evaluated 2021-10-14.

Conditions:
Hirschsprung disease, susceptibility to, 3. Identifiers: Orphanet 388, MedGen C3150974, MONDO:0013383, OMIM 613711.

Allele frequency attached by ClinVar (database versions not stated): ESP Exome Variant Server 0.00023; gnomAD 0.00027 and 0.00029; TOPMed 0.00035; ExAC 0.00038; gnomAD exomes 0.00040.
gnomAD v4.1: 467 of 1,613,768 alleles (0.029%); highest among the groups gnomAD compares: Admixed American, 0.032%; 1 homozygote.

Submissions (2):

Ambry Genetics
Classification: Uncertain significance. Last evaluated: 2021-10-14. Review status: criteria provided, single submitter. Criteria: Ambry Variant Classification Scheme 2023. Collection method: clinical testing. Allele origin: germline.

Illumina Laboratory Services, Illumina
Classification: Likely benign for Hirschsprung disease, susceptibility to, 3. Last evaluated: 2017-04-28. Review status: criteria provided, single submitter. Criteria: ICSL Variant Classification Criteria 13 December 2019. Collection method: clinical testing. Allele origin: germline.
Comment: This variant was observed as part of a predisposition screen in an ostensibly healthy population. A literature search was performed for the gene, cDNA change, and amino acid change (where applicable). No publications were found based on this search. Allele frequency data from public databases allowed determination this variant is unlikely to cause disease. Therefore, this variant is classified as likely benign.